The following is an entry in ClinVar:

NM_001368809.2(AMPD2):c.1502C>T (p.Ala501Val)

Genes: AMPD2 (adenosine monophosphate deaminase 2; plus strand), LOC126805822 (BRD4-independent group 4 enhancer GRCh37_chr1:110170748-110171947; plus strand). Cytogenetic location: 1p13.3.
Variant type: single nucleotide variant.
Coding change: c.1502C>T on transcript NM_001368809.2 (MANE Select); coding-DNA position 1502, C replaced by T.
Protein change: p.Ala501Val; replaces alanine 501 with valine.
Molecular consequence: missense variant.
Genome position (GRCh38, 1-based): chr1:109,628,737, C>T. VCF-style: chr1-109628737-C-T. GRCh37 (hg19) VCF-style: chr1-110171359-C-T.
Other names: c.1664C>T, p.Ala555Val (NM_001257360.2); c.1310C>T, p.Ala437Val (NM_001257361.2); c.1439C>T, p.Ala480Val (NM_001308170.1); c.1502C>T, p.Ala501Val (NM_004037.9); c.1421C>T, p.Ala474Val (NM_139156.4); short protein forms A437V, A474V, A480V, A501V, A555V.
Identifiers: ClinVar variation 1804726 (VCV001804726.2), dbSNP rs746558863, ClinGen allele CA993117.
Genomic context (GRCh38, chr1:109,628,737, plus strand): 5'-AGAATGCAGAGCTGCGGCTCTCCATTTACGGGCGCTCGAGGGATGAGTGGGACAAGCTGG[C>T]GCGCTGGGCCGTCATGCACCGCGTGCACTCCCCCAACGTGCGCTGGCTGGTGCAGGTGCC-3'
Protein context (NP_001355738.1, residues 491-511): GRSRDEWDKL[Ala501Val]RWAVMHRVHS

ClinVar aggregate classification (germline): Uncertain significance (1 of 4 stars; one submission).

Allele frequency attached by ClinVar (database versions not stated): TOPMed below 0.00001; gnomAD 0.00002; ExAC 0.00003.
gnomAD v4.1: 9 of 1,604,944 alleles (0.00056%); highest among the groups gnomAD compares: South Asian, 0.0022%; no homozygotes.

Submission:

Women's Health and Genetics/Laboratory Corporation of America, LabCorp
Classification: Uncertain significance. Last evaluated: 2024-09-18. Review status: criteria provided, single submitter. Criteria: LabCorp Variant Classification Summary - May 2015. Collection method: clinical testing. Allele origin: germline.
Comment: Variant summary: AMPD2 c.1502C>T (p.Ala501Val) results in a non-conservative amino acid change in the encoded protein sequence. Five of five in-silico tools predict a damaging effect of the variant on protein function. The variant allele was found at a frequency of 8.6e-06 in 232216 control chromosomes. The available data on variant occurrences in the general population are insufficient to allow any conclusion about variant significance. c.1502C>T has been reported in the literature in at least one compound heterozygous individual affected with Pontocerebellar Hypoplasia (e.g. Severino_2017). These data do not currently allow any conclusion about variant significance. To our knowledge, no experimental evidence demonstrating an impact on protein function has been reported. The following publication has been ascertained in the context of this evaluation (PMID: 28972112). ClinVar contains an entry for this variant (Variation ID: 1804726). Based on the evidence outlined above, the variant was classified as uncertain significance.

Literature cited by the submitters: PubMed 28972112.